The following is an entry in ClinVar:

NM_017763.6(RNF43):c.252+1G>T

Gene: RNF43 (ring finger protein 43; minus strand). Cytogenetic location: 17q22.
Variant type: single nucleotide variant.
Coding change: c.252+1G>T on transcript NM_017763.6 (MANE Select); the canonical splice donor site of the intron after coding-DNA position 252, G replaced by T.
Molecular consequence: splice donor variant. On other transcripts: intron variant (1).
Genome position (GRCh38, 1-based): chr17:58,415,325, C>A on the plus strand (G>T on the coding strand, the complement: RNF43 is on the minus strand). VCF-style: chr17-58415325-C-A. GRCh37 (hg19) VCF-style: chr17-56492686-C-A.
Other names: c.252+1G>T (NM_001438822.1, NM_001305544.3, NM_001438820.1 and 1 more transcripts); c.-130+1692G>T (NM_001437987.1).
Identifiers: ClinVar variation 4875684 (VCV004875684.1).

ClinVar aggregate classification (germline): Likely pathogenic (1 of 4 stars; one submission).

Conditions:
Sessile serrated polyposis cancer syndrome (SSPCS). Identifiers: Orphanet 157798, MedGen C4310714, MONDO:0014919, OMIM 617108.

Submission:

Myriad Genetics, Inc.
Classification: Likely pathogenic for Sessile serrated polyposis cancer syndrome. Last evaluated: 2026-04-08. Review status: criteria provided, single submitter. Criteria: Myriad Autosomal Dominant, Autosomal Recessive and X-Linked Classification Criteria (2023). Collection method: clinical testing. Allele origin: unknown.
Comment: This variant is considered likely pathogenic. This variant occurs within a consensus splice junction and is predicted to result in abnormal mRNA splicing of either an out-of-frame exon or an in-frame exon necessary for protein stability and/or normal function.